The following is an entry in ClinVar:

ClinVar aggregate classification (germline): Uncertain significance. Review status: criteria provided, multiple submitters, no conflicts (2 of 4 stars). 2 submissions from 2 submitters: Uncertain significance (2). Last evaluated 2024-11-18.

Submissions (2):

Labcorp Genetics (formerly Invitae), Labcorp
Classification: Uncertain significance. Last evaluated: 2024-11-18. Review status: criteria provided, single submitter. Criteria: Invitae Variant Classification Sherloc (09022015). Collection method: clinical testing. Allele origin: germline.
Comment: This sequence change replaces alanine, which is neutral and non-polar, with threonine, which is neutral and polar, at codon 1989 of the POLE protein (p.Ala1989Thr). This variant is not present in population databases (gnomAD no frequency). This variant has not been reported in the literature in individuals affected with POLE-related conditions. ClinVar contains an entry for this variant (Variation ID: 934032). Invitae Evidence Modeling of protein sequence and biophysical properties (such as structural, functional, and spatial information, amino acid conservation, physicochemical variation, residue mobility, and thermodynamic stability) indicates that this missense variant is not expected to disrupt POLE protein function with a negative predictive value of 80%. In summary, the available evidence is currently insufficient to determine the role of this variant in disease. Therefore, it has been classified as a Variant of Uncertain Significance.

Clinical Genetics Laboratory, Skane University Hospital Lund
Classification: Uncertain significance. Last evaluated: 2022-05-27. Review status: criteria provided, single submitter. Criteria: ACMG Guidelines, 2015. Collection method: clinical testing. Allele origin: germline. Affected: yes.

NM_006231.4(POLE):c.5965G>A (p.Ala1989Thr)

Gene: POLE (DNA polymerase epsilon, catalytic subunit; minus strand). Cytogenetic location: 12q24.33.
Variant type: single nucleotide variant.
Coding change: c.5965G>A on transcript NM_006231.4 (MANE Select); coding-DNA position 5965, G replaced by A.
Protein change: p.Ala1989Thr; replaces alanine 1989 with threonine.
Molecular consequence: missense variant.
Genome position (GRCh38, 1-based): chr12:132,634,225, C>T on the plus strand (G>A on the coding strand, the complement: POLE is on the minus strand). VCF-style: chr12-132634225-C-T. GRCh37 (hg19) VCF-style: chr12-133210811-C-T.
Other names: c.5965G>A (NM_006231.2); short protein forms A1989T.
Identifiers: ClinVar variation 934032 (VCV000934032.10), dbSNP rs2041989730, ClinGen allele CA387371485.